The following is an entry in ClinVar:

ClinVar aggregate classification (germline): Uncertain significance. Review status: criteria provided, multiple submitters, no conflicts (2 of 4 stars). 2 submissions from 2 submitters: Uncertain significance (2). Last evaluated 2024-10-30.

Conditions:
Alpha thalassemia-X-linked intellectual disability syndrome (ATRX). Also called: ALPHA-THALASSEMIA/MENTAL RETARDATION SYNDROME, X-LINKED; ATR, NONDELETION TYPE; ATR-X syndrome; Alpha thalassemia mental retardation syndrome, nondeletion type, X-linked; XLMR hypotonic face syndrome; X-linked alpha-thalassemia-mental retardation syndrome. Identifiers: Orphanet 847, MedGen C1845055, MONDO:0010519, OMIM 301040.

Submissions (2):

GeneDx
Classification: Uncertain significance. Last evaluated: 2024-10-30. Review status: criteria provided, single submitter. Criteria: GeneDx Variant Classification Process June 2021. Collection method: clinical testing. Allele origin: germline. Affected: yes.
Comment: Not observed at significant frequency in large population cohorts (gnomAD); In silico analysis indicates that this missense variant does not alter protein structure/function; Has not been previously published as pathogenic or benign to our knowledge

Labcorp Genetics (formerly Invitae), Labcorp
Classification: Uncertain significance for Alpha thalassemia-X-linked intellectual disability syndrome. Last evaluated: 2023-11-24. Review status: criteria provided, single submitter. Criteria: Invitae Variant Classification Sherloc (09022015). Collection method: clinical testing. Allele origin: germline.
Comment: This sequence change replaces serine, which is neutral and polar, with proline, which is neutral and non-polar, at codon 801 of the ATRX protein (p.Ser801Pro). This variant is not present in population databases (gnomAD no frequency). This variant has not been reported in the literature in individuals affected with ATRX-related conditions. Advanced modeling of protein sequence and biophysical properties (such as structural, functional, and spatial information, amino acid conservation, physicochemical variation, residue mobility, and thermodynamic stability) performed at Invitae indicates that this missense variant is not expected to disrupt ATRX protein function with a negative predictive value of 95%. In summary, the available evidence is currently insufficient to determine the role of this variant in disease. Therefore, it has been classified as a Variant of Uncertain Significance.

NM_000489.6(ATRX):c.2401T>C (p.Ser801Pro)

Gene: ATRX (ATRX chromatin remodeler; minus strand). Cytogenetic location: Xq21.1.
Variant type: single nucleotide variant.
Coding change: c.2401T>C on transcript NM_000489.6 (MANE Select); coding-DNA position 2401, T replaced by C.
Protein change: p.Ser801Pro; replaces serine 801 with proline.
Molecular consequence: missense variant.
Genome position (GRCh38, 1-based): chrX:77,682,855, A>G on the plus strand (T>C on the coding strand, the complement: ATRX is on the minus strand). VCF-style: chrX-77682855-A-G. GRCh37 (hg19) VCF-style: chrX-76938347-A-G.
Other names: c.2287T>C, p.Ser763Pro (NM_138270.5); c.2401T>C (NM_000489.3); short protein forms S801P, S763P.
Identifiers: ClinVar variation 2806943 (VCV002806943.4), dbSNP rs1360383687, ClinGen allele CA413712492.
Genomic context (GRCh38, chrX:77,682,855, plus strand): 5'-ATTCTGAGTCATAATTAGAAGACTCAGACTGGGTTTGTCGTTTCTTTTTAGAAATTATAG[A>G]GCTCTTAGCTGATTTGCCCTTTTTAGTATCAAAATCTGAGCCAGATGTAGAACTTTTTCG-3'
Protein context (NP_000480.3, residues 791-811): DTKKGKSAKS[Ser801Pro]IISKKKRQTQ